The following is an entry in ClinVar:

NM_005908.4(MANBA):c.1682C>T (p.Pro561Leu)

Gene: MANBA (mannosidase beta; minus strand). Cytogenetic location: 4q24.
Variant type: single nucleotide variant.
Coding change: c.1682C>T on transcript NM_005908.4 (MANE Select); coding-DNA position 1682, C replaced by T.
Protein change: p.Pro561Leu; replaces proline 561 with leucine.
Molecular consequence: missense variant.
Genome position (GRCh38, 1-based): chr4:102,657,704, G>A on the plus strand (C>T on the coding strand, the complement: MANBA is on the minus strand). VCF-style: chr4-102657704-G-A. GRCh37 (hg19) VCF-style: chr4-103578861-G-A.
Other names: short protein forms P561L.
Identifiers: ClinVar variation 347089 (VCV000347089.12), dbSNP rs147023714, ClinGen allele CA3026839.

ClinVar aggregate classification (germline): Uncertain significance. Review status: criteria provided, multiple submitters, no conflicts (2 of 4 stars). 5 submissions from 5 submitters: Uncertain significance (5). Last evaluated 2025-10-03.

Conditions:
Inborn genetic diseases. Identifiers: MedGen C0950123, MeSH D030342.
Beta-D-mannosidosis (MANSB). Also called: LYSOSOMAL BETA-MANNOSIDASE DEFICIENCY; MANNOSIDOSIS, BETA A, LYSOSOMAL; BETA-MANNOSIDASE DEFICIENCY; Beta-Mannosidosis. Identifiers: Orphanet 118, MedGen C4048196, MONDO:0009562, OMIM 248510.

Allele frequency attached by ClinVar (database versions not stated): gnomAD exomes 0.00014 and 0.00036; ExAC 0.00015; 1000 Genomes Project 30x 0.00016; gnomAD 0.00017 and 0.00018; 1000 Genomes Project 0.00020; TOPMed 0.00020; ESP Exome Variant Server 0.00038.
gnomAD v4.1: 565 of 1,612,100 alleles (0.035%); highest among the groups gnomAD compares: Non-Finnish European, 0.044%; no homozygotes.

Submissions (5):

Women's Health and Genetics/Laboratory Corporation of America, LabCorp
Classification: Uncertain significance. Last evaluated: 2025-10-03. Review status: criteria provided, single submitter. Criteria: LabCorp Variant Classification Summary - May 2015. Collection method: clinical testing. Allele origin: germline.
Comment: Variant summary: MANBA c.1682C>T (p.Pro561Leu) results in a non-conservative amino acid change in the encoded protein sequence. Algorithms developed to predict the effect of missense changes on protein structure and function all suggest that this variant is likely to be disruptive. The variant allele was found at a frequency of 0.00014 in 251172 control chromosomes. This frequency is not significantly higher than estimated for disease-causing variants in MANBA, allowing no conclusion about variant significance. To our knowledge, no occurrence of c.1682C>T in individuals affected with MANBA-related conditions and no experimental evidence demonstrating its impact on protein function have been reported. ClinVar contains an entry for this variant (Variation ID: 347089). Based on the evidence outlined above, the variant was classified as uncertain significance.

Ambry Genetics
Classification: Uncertain significance for Inborn genetic diseases. Last evaluated: 2025-01-28. Review status: criteria provided, single submitter. Criteria: Ambry Variant Classification Scheme 2023. Collection method: clinical testing. Allele origin: germline.

Blueprint Genetics
Classification: Uncertain significance. Last evaluated: 2024-11-21. Review status: criteria provided, single submitter. Criteria: ACMG Guidelines, 2015. Collection method: clinical testing. Allele origin: germline.

Labcorp Genetics (formerly Invitae), Labcorp
Classification: Uncertain significance for Beta-D-mannosidosis. Last evaluated: 2022-10-05. Review status: criteria provided, single submitter. Criteria: Invitae Variant Classification Sherloc (09022015). Collection method: clinical testing. Allele origin: germline.
Comment: This sequence change replaces proline, which is neutral and non-polar, with leucine, which is neutral and non-polar, at codon 561 of the MANBA protein (p.Pro561Leu). This variant is present in population databases (rs147023714, gnomAD 0.03%). This variant has not been reported in the literature in individuals affected with MANBA-related conditions. ClinVar contains an entry for this variant (Variation ID: 347089). Advanced modeling of protein sequence and biophysical properties (such as structural, functional, and spatial information, amino acid conservation, physicochemical variation, residue mobility, and thermodynamic stability) has been performed at Invitae for this missense variant, however the output from this modeling did not meet the statistical confidence thresholds required to predict the impact of this variant on MANBA protein function. In summary, the available evidence is currently insufficient to determine the role of this variant in disease. Therefore, it has been classified as a Variant of Uncertain Significance.

Illumina Laboratory Services, Illumina
Classification: Uncertain significance for Beta-D-mannosidosis. Last evaluated: 2018-01-12. Review status: criteria provided, single submitter. Criteria: ICSL Variant Classification Criteria 13 December 2019. Collection method: clinical testing. Allele origin: germline.